The following is an entry in ClinVar:

NM_000541.5(SAG):c.628G>T (p.Ala210Ser)

Gene: SAG (S-antigen visual arrestin; plus strand). Cytogenetic location: 2q37.1.
Variant type: single nucleotide variant.
Coding change: c.628G>T on transcript NM_000541.5 (MANE Select); coding-DNA position 628, G replaced by T.
Protein change: p.Ala210Ser; replaces alanine 210 with serine.
Molecular consequence: missense variant.
Genome position (GRCh38, 1-based): chr2:233,328,593, G>T. VCF-style: chr2-233328593-G-T. GRCh37 (hg19) VCF-style: chr2-234237239-G-T.
Other names: short protein forms A210S.
Identifiers: ClinVar variation 4770454 (VCV004770454.1).

ClinVar aggregate classification (germline): Uncertain significance (1 of 4 stars; one submission).

Submission:

Labcorp Genetics (formerly Invitae), Labcorp
Classification: Uncertain significance. Last evaluated: 2025-06-23. Review status: criteria provided, single submitter. Criteria: Invitae Variant Classification Sherloc (09022015). Collection method: clinical testing. Allele origin: germline.
Comment: This sequence change replaces alanine, which is neutral and non-polar, with serine, which is neutral and polar, at codon 210 of the SAG protein (p.Ala210Ser). This variant is not present in population databases (gnomAD no frequency). This variant has not been reported in the literature in individuals affected with SAG-related conditions. Invitae Evidence Modeling of protein sequence and biophysical properties (such as structural, functional, and spatial information, amino acid conservation, physicochemical variation, residue mobility, and thermodynamic stability) indicates that this missense variant is not expected to disrupt SAG protein function with a negative predictive value of 80%. In summary, the available evidence is currently insufficient to determine the role of this variant in disease. Therefore, it has been classified as a Variant of Uncertain Significance.